The following is an entry in ClinVar:

ClinVar aggregate classification (germline): Pathogenic. Review status: reviewed by expert panel (3 of 4 stars). 10 submissions from 10 submitters: Pathogenic (1). 9 of the submissions do not count toward it. Last evaluated 2024-04-22.

Conditions:
RPE65-related recessive retinopathy. Also called: Recessive RPE65 retinopathy. Identifiers: MedGen CN305526, MONDO:0100368.
Retinitis pigmentosa 20 (RP20). Identifiers: Orphanet 791, MedGen C3151086, MONDO:0013425, OMIM 613794.
Leber congenital amaurosis 2 (LCA2). Also called: Autosomal Recessive RPE65-Related Retinal Degeneration; AMAUROSIS CONGENITA OF LEBER II. Identifiers: Orphanet 65, MedGen C1859844, MONDO:0008765, OMIM 204100. Disease mechanism: loss of function.
Leber congenital amaurosis (LCA). Also called: Leber's amaurosis. Identifiers: Orphanet 65, MedGen C0339527, MeSH D057130, MONDO:0018998.

Submissions (10):

ClinGen Leber Congenital Amaurosis/early Onset Retinal Dystrophy Variant Curation Expert Panel, ClinGen
Classification: Pathogenic for RPE65-related recessive retinopathy. Last evaluated: 2024-04-22. Review status: reviewed by expert panel. Criteria: ClinGen LCAeoRD ACMG Specifications RPE65 V1.0.0. Collection method: curation. Allele origin: germline. Inheritance: Autosomal recessive inheritance.
Comment: NM_000329.3(RPE65):c.1067del (p.Asn356MetfsTer17) is a frameshift variant that introduces a premature stop codon into exon 10 of 14, and is predicted to lead to nonsense-mediated decay in a gene in which loss-of-function is an established mechanism of disease (PVS1). This variant is absent from gnomAD v2.1.1 (PM2_Supporting). This variant has been reported in at least 2 probands with early-onset severe retinal dystrophy who were compound heterozygous with either the NM_000329.3(RPE65):c.700C>T (p.Arg234Ter) or NM_000329.3(RPE65):c.11+5G>A variants confirmed in trans (2 points, PMID: 9326927, PMID: 37704110), which were previously classified pathogenic by the ClinGen LCA / eoRD VCEP (2 total points, PM3_Strong). At least one proband harboring this variant exhibits a phenotype including a clinical diagnosis of Leber congenital amaurosis (0.5 pts), nystagmus (1 pt), decreased peripheral vision (1 pt), absent or severely decreased rod electroretinogram (ERG) responses (0.5 pts) and abnormal color vision or evidence of cone involvement on ERG (1 pt), which together are specific for RPE65-related recessive retinopathy (4 pts, PMID: 31273949, PP4). In summary, this variant meets the criteria to be classified as pathogenic for RPE65-related recessive retinopathy based on the ACMG/AMP criteria applied, as specified by the ClinGen LCA / eoRD VCEP: PVS1, PM2_supporting, PM3_Strong and PP4. (VCEP specifications version 1.0.0; date of approval 09/21/2023).

Natera, Inc.
Classification: Pathogenic for Leber congenital amaurosis. Last evaluated: 2025-02-26. Review status: criteria provided, single submitter. Criteria: Natera Variant Classification Schema (03/2026). Collection method: clinical testing. Allele origin: germline. Not counted in ClinVar's aggregate classification.
Comment: The c.1067delA variant in RPE65 is a frameshift variant predicted to shift the reading frame beginning at codon 356 and leads to a stop codon 17 codons downstream. This variant is expected to result in nonsense mediated decay, truncation, or a dysfunctional protein product. This variant is rare in the general population with a frequency below the threshold expected for the associated phenotype(s). This variant has been observed in one or more individuals affected with the associated recessive disease, as either homozygous or compound heterozygous with a second variant (PMID: 9326927, 19339744). Additionally, this variant has been observed to segregate in affected family members (PMID: 9326927, 19339744). Given the available evidence, this variant is classified as Pathogenic.

Myriad Genetics, Inc.
Classification: Pathogenic for RPE65-related recessive retinopathy. Last evaluated: 2024-05-14. Review status: criteria provided, single submitter. Criteria: Myriad Autosomal Dominant, Autosomal Recessive and X-Linked Classification Criteria (2023). Collection method: clinical testing. Allele origin: unknown. Not counted in ClinVar's aggregate classification.
Comment: NM_000329.2(RPE65):c.1067delA(N356Mfs*17) is expected to be pathogenic in the context of inherited retinal dystrophy, RPE65-related. This variant is predicted to lead to an abnormal or absent protein product due to the creation of a premature termination codon in RPE65, a gene where loss-of-function variants are known to be pathogenic. Please note: this variant was assessed in the context of healthy population screening.

Labcorp Genetics (formerly Invitae), Labcorp
Classification: Pathogenic for Leber congenital amaurosis 2; Retinitis pigmentosa 20. Last evaluated: 2024-01-21. Review status: criteria provided, single submitter. Criteria: Invitae Variant Classification Sherloc (09022015). Collection method: clinical testing. Allele origin: germline. Not counted in ClinVar's aggregate classification.
Comment: This sequence change creates a premature translational stop signal (p.Asn356Metfs*17) in the RPE65 gene. It is expected to result in an absent or disrupted protein product. Loss-of-function variants in RPE65 are known to be pathogenic (PMID: 9326941, 9501220, 9843205, 18632300). The frequency data for this variant in the population databases is considered unreliable, as metrics indicate poor data quality at this position in the gnomAD database. This premature translational stop signal has been observed in individual(s) with autosomal recessive Leber congenital amaurosis (PMID: 9326927). In at least one individual the data is consistent with being in trans (on the opposite chromosome) from a pathogenic variant. It has also been observed to segregate with disease in related individuals. ClinVar contains an entry for this variant (Variation ID: 98821). Algorithms developed to predict the effect of sequence changes on RNA splicing suggest that this variant may disrupt the consensus splice site. For these reasons, this variant has been classified as Pathogenic.

3billion
Classification: Pathogenic for Leber congenital amaurosis 2. Last evaluated: 2023-12-04. Review status: criteria provided, single submitter. Criteria: ACMG Guidelines, 2015. Collection method: clinical testing. Allele origin: germline. Affected: yes. Not counted in ClinVar's aggregate classification.
Comment: The variant is observed at an extremely low frequency in the gnomAD v2.1.1 dataset (total allele frequency: <0.001%). Predicted Consequence/Location: Frameshift: predicted to result in a loss or disruption of normal protein function through nonsense-mediated decay (NMD) or protein truncation. Multiple pathogenic variants are reported downstream of the variant. The variant has been reported to be in trans with a pathogenic variant as either compound heterozygous or homozygous in at least one similarly affected unrelated individual (PMID: 15024725). The variant has been reported at least twice as pathogenic without evidence for the classification (ClinVar ID: VCV000098821 /PMID: 9326927). Therefore, this variant is classified as Pathogenic according to the recommendation of ACMG/AMP guideline.

Genetics and Molecular Pathology, SA Pathology
Classification: Pathogenic for RPE65-related recessive retinopathy. Last evaluated: 2022-01-14. Review status: criteria provided, single submitter. Criteria: ACMG Guidelines, 2015. Collection method: clinical testing. Allele origin: germline. Affected: yes. Not counted in ClinVar's aggregate classification.

Genome-Nilou Lab
Classification: Pathogenic for Leber congenital amaurosis 2. Last evaluated: 2021-06-10. Review status: criteria provided, single submitter. Criteria: ACMG Guidelines, 2015. Collection method: clinical testing. Allele origin: germline. Affected: no. Not counted in ClinVar's aggregate classification.

OMIM
Classification: Pathogenic for LEBER CONGENITAL AMAUROSIS 2. Last evaluated: 1997-10-01. Review status: no assertion criteria provided. Collection method: literature only. Allele origin: germline. Not counted in ClinVar's aggregate classification.

Laboratory of Genetics in Ophthalmology, Institut Imagine
Classification: Pathogenic for Leber congenital amaurosis 2. Review status: no assertion criteria provided. Collection method: research. Allele origin: inherited. Affected: yes. Observed: 1 variant allele. Not counted in ClinVar's aggregate classification.

Retina International
No classification provided. Review status: no classification provided. Collection method: not provided. Allele origin: not provided. Not counted in ClinVar's aggregate classification.

Literature cited by the submitters: PubMed 9326927 (cited by 5 submitters); PubMed 19339744 (cited by Natera, Inc.); PubMed 9326941 (cited by Labcorp Genetics (formerly Invitae), Labcorp); PubMed 9501220 (cited by Labcorp Genetics (formerly Invitae), Labcorp); PubMed 9843205 (cited by Labcorp Genetics (formerly Invitae), Labcorp); PubMed 18632300 (cited by Labcorp Genetics (formerly Invitae), Labcorp); PubMed 15024725 (cited by 3billion).

NM_000329.3(RPE65):c.1067del (p.Asn356fs)

Gene: RPE65 (retinoid isomerohydrolase RPE65; minus strand). Cytogenetic location: 1p31.3.
Variant type: Deletion.
Coding change: c.1067del on transcript NM_000329.3 (MANE Select); coding-DNA position 1067, one base deleted (A; older notation c.1067delA).
Protein change: p.Asn356fs; shifts the reading frame from asparagine 356.
Molecular consequence: frameshift variant.
Genome position (GRCh38, 1-based): chr1:68,438,248, T deleted on the plus strand (A on the coding strand, the reverse complement: RPE65 is on the minus strand); the first of 8 consecutive T bases (chr1:68,438,248-68,438,255); deleting any one gives the same sequence. VCF-style (leftmost placement, unchanged base first): chr1-68438247-AT-A. GRCh37 (hg19) VCF-style: chr1-68903930-AT-A.
Other names: NM_000329.3(RPE65):c.1067del; p.Asn356fs; c.1067del (NM_000329.2); c.1067delA (NM_000329.3); short protein forms N356fs.
Identifiers: ClinVar variation 98821 (VCV000098821.20), dbSNP rs281865520, ClinGen allele CA226477.